The following is an entry in ClinVar:

NM_022455.5(NSD1):c.5684G>A (p.Cys1895Tyr)

Gene: NSD1 (nuclear receptor binding SET domain protein 1; plus strand). Cytogenetic location: 5q35.3.
Variant type: single nucleotide variant.
Coding change: c.5684G>A on transcript NM_022455.5 (MANE Select); coding-DNA position 5684, G replaced by A.
Protein change: p.Cys1895Tyr; replaces cysteine 1895 with tyrosine.
Molecular consequence: missense variant.
Genome position (GRCh38, 1-based): chr5:177,280,626, G>A. VCF-style: chr5-177280626-G-A. GRCh37 (hg19) VCF-style: chr5-176707627-G-A.
Other names: c.4811G>A, p.Cys1604Tyr (NM_001365684.2, NM_001409308.1, NM_001409309.1 and 1 more transcripts); c.5684G>A, p.Cys1895Tyr (NM_001409301.1, NM_001409302.1, NM_001409303.1); c.5264G>A, p.Cys1755Tyr (NM_001409304.1); c.4931G>A, p.Cys1644Tyr (NM_001409305.1); c.4922G>A, p.Cys1641Tyr (NM_001409306.1, NM_001409307.1); short protein forms C1626Y, C1895Y, C1641Y, C1604Y, C1755Y, C1644Y.
Identifiers: ClinVar variation 939144 (VCV000939144.10), dbSNP rs1758796866, ClinGen allele CA362312357.

ClinVar aggregate classification (germline): Pathogenic (1 of 4 stars; one submission).

Submission:

Labcorp Genetics (formerly Invitae), Labcorp
Classification: Pathogenic. Last evaluated: 2021-02-17. Review status: criteria provided, single submitter. Criteria: Invitae Variant Classification Sherloc (09022015). Collection method: clinical testing. Allele origin: germline.
Comment: This sequence change replaces cysteine with tyrosine at codon 1895 of the NSD1 protein (p.Cys1895Tyr). The cysteine residue is moderately conserved and there is a large physicochemical difference between cysteine and tyrosine. This variant is not present in population databases (ExAC no frequency). This variant has been observed in individual(s) with clinical features of Sotos syndrome (PMID: 14517949, Invitae). In at least one individual the variant was observed to be de novo. Algorithms developed to predict the effect of missense changes on protein structure and function are either unavailable or do not agree on the potential impact of this missense change (SIFT: "Deleterious"; PolyPhen-2: "Probably Damaging"; Align-GVGD: "Class C0"). This variant disrupts the p.Cys1895 amino acid residue in NSD1. Other variant(s) that disrupt this residue have been determined to be pathogenic (PMID: 15942875, Invitae). This suggests that this residue is clinically significant, and that variants that disrupt this residue are likely to be disease-causing. For these reasons, this variant has been classified as Pathogenic.

Literature cited by the submitters: PubMed 14517949; PubMed 15942875.